The following is an entry in ClinVar:

ClinVar aggregate classification (germline): Pathogenic (1 of 4 stars; one submission).

Conditions:
Long QT syndrome 1 (LQT1). Identifiers: Orphanet 101016, Orphanet 768, MedGen C4551647, MONDO:0100316, OMIM 192500, MONDO:0008646.

Submission:

Labcorp Genetics (formerly Invitae), Labcorp
Classification: Pathogenic for Long QT syndrome 1. Last evaluated: 2024-06-13. Review status: criteria provided, single submitter. Criteria: Invitae Variant Classification Sherloc (09022015). Collection method: clinical testing. Allele origin: germline.
Comment: This sequence change replaces phenylalanine, which is neutral and non-polar, with leucine, which is neutral and non-polar, at codon 142 of the CALM3 protein (p.Phe142Leu). This variant is not present in population databases (gnomAD no frequency). This missense change has been observed in individual(s) with Long QT syndrome (PMID: 28491681; Invitae). In at least one individual the variant was observed to be de novo. ClinVar contains an entry for this variant (Variation ID: 2138308). An algorithm developed to predict the effect of missense changes on protein structure and function (PolyPhen-2) suggests that this variant is likely to be disruptive. The CALM1, CALM2 and CALM3 genes code for three identical proteins of calmodulin that only differ in their promoter and untranslated regions (PMID: 11569915). The same variant c.426C>G (p.Phe142Leu) located in CALM1 has been determined to be pathogenic (PMID: 23388215, 26969752). This suggests that this residue is clinically significant, and that variants that disrupt this residue are likely to be disease-causing. For these reasons, this variant has been classified as Pathogenic.

Literature cited by the submitters: PubMed 28491681; PubMed 11569915; PubMed 23388215; PubMed 26969752.

NM_005184.4(CALM3):c.426T>G (p.Phe142Leu)

Gene: CALM3 (calmodulin 3; plus strand). Cytogenetic location: 19q13.32.
Variant type: single nucleotide variant.
Coding change: c.426T>G on transcript NM_005184.4 (MANE Select); coding-DNA position 426, T replaced by G.
Protein change: p.Phe142Leu; replaces phenylalanine 142 with leucine.
Molecular consequence: missense variant.
Genome position (GRCh38, 1-based): chr19:46,609,129, T>G. VCF-style: chr19-46609129-T-G. GRCh37 (hg19) VCF-style: chr19-47112386-T-G.
Other names: c.318T>G, p.Phe106Leu (NM_001329921.1, NM_001329923.1, NM_001329924.2 and 2 more transcripts); c.426T>G, p.Phe142Leu (NM_001329922.1); short protein forms F106L, F142L.
Identifiers: ClinVar variation 2138308 (VCV002138308.4), dbSNP rs2513646355, ClinGen allele CA406473897.